The following is an entry in ClinVar:

NM_004360.5(CDH1):c.1813A>G (p.Arg605Gly)

Gene: CDH1 (cadherin 1; plus strand). Cytogenetic location: 16q22.1.
Variant type: single nucleotide variant.
Coding change: c.1813A>G on transcript NM_004360.5 (MANE Select); coding-DNA position 1813, A replaced by G.
Protein change: p.Arg605Gly; replaces arginine 605 with glycine.
Molecular consequence: missense variant. On other transcripts: 5 prime UTR variant (1).
Genome position (GRCh38, 1-based): chr16:68,822,102, A>G. VCF-style: chr16-68822102-A-G. GRCh37 (hg19) VCF-style: chr16-68856005-A-G.
Other names: c.1630A>G, p.Arg544Gly (NM_001317184.2); c.265A>G, p.Arg89Gly (NM_001317185.2); c.-153A>G (NM_001317186.2); short protein forms R89G, R544G, R605G.
Identifiers: ClinVar variation 1376552 (VCV001376552.11), dbSNP rs2152138356, ClinGen allele CA396466788.

ClinVar aggregate classification (germline): Conflicting classifications of pathogenicity. Review status: criteria provided, conflicting classifications (1 of 4 stars). 2 submissions from 2 submitters: Uncertain significance (1); Likely benign (1). Last evaluated 2026-06-22.

Conditions:
Hereditary cancer-predisposing syndrome. Also called: Hereditary Cancer Syndrome; Neoplastic Syndromes, Hereditary; Hereditary neoplastic syndrome; Tumor predisposition. Identifiers: Orphanet 140162, MedGen C0027672, MeSH D009386, MONDO:0015356.
Hereditary diffuse gastric adenocarcinoma (HDGC). Also called: DIFFUSE GASTRIC AND LOBULAR BREAST CANCER SYNDROME. Identifiers: Orphanet 26106, MedGen C1708349, MONDO:0007648, OMIM 137215.

gnomAD v4.1: 1 of 1,614,166 alleles (0.000062%); highest among the groups gnomAD compares: Non-Finnish European, 0.000085%; no homozygotes.

Submissions (2):

Ambry Genetics
Classification: Likely benign for Hereditary cancer-predisposing syndrome. Last evaluated: 2026-06-22. Review status: criteria provided, single submitter. Criteria: Ambry Variant Classification Scheme 2023. Collection method: clinical testing. Allele origin: germline.

Labcorp Genetics (formerly Invitae), Labcorp
Classification: Uncertain significance for Hereditary diffuse gastric adenocarcinoma. Last evaluated: 2025-11-17. Review status: criteria provided, single submitter. Criteria: Invitae Variant Classification Sherloc (09022015). Collection method: clinical testing. Allele origin: germline.
Comment: This sequence change replaces arginine, which is basic and polar, with glycine, which is neutral and non-polar, at codon 605 of the CDH1 protein (p.Arg605Gly). This variant is not present in population databases (gnomAD no frequency). This missense change has been observed in individual(s) with breast cancer (PMID: 20921021). ClinVar contains an entry for this variant (Variation ID: 1376552). An algorithm developed to predict the effect of missense changes on protein structure and function (PolyPhen-2) suggests that this variant is likely to be tolerated. In summary, the available evidence is currently insufficient to determine the role of this variant in disease. Therefore, it has been classified as a Variant of Uncertain Significance.

Literature cited by the submitters: PubMed 20921021 (cited by Ambry Genetics and Labcorp Genetics (formerly Invitae), Labcorp); PubMed 25186627 (cited by Ambry Genetics).